The following is an entry in ClinVar:

NM_001035.3(RYR2):c.10975A>T (p.Lys3659Ter)

Gene: RYR2 (ryanodine receptor 2; plus strand). Cytogenetic location: 1q43.
Variant type: single nucleotide variant.
Coding change: c.10975A>T on transcript NM_001035.3 (MANE Select); coding-DNA position 10975, A replaced by T.
Protein change: p.Lys3659Ter; replaces lysine 3659 with a stop codon.
Molecular consequence: nonsense.
Genome position (GRCh38, 1-based): chr1:237,732,085, A>T. VCF-style: chr1-237732085-A-T. GRCh37 (hg19) VCF-style: chr1-237895385-A-T.
Other names: short protein forms K3659*.
Identifiers: ClinVar variation 1790834 (VCV001790834.2), dbSNP rs184527312, ClinGen allele CA345418991.
Genomic context (GRCh38, chr1:237,732,085, plus strand): 5'-ATAAATTTGACTTTTTTGCAGAAACCTGGGGCTGAACCTCCAGAAGAAGATGAAGGCACT[A>T]AGAGAGTTGATCCTCTACATCAGCTGATCCTTCTGTTTAGTCGGACAGCTTTAACAGAGA-3'

ClinVar aggregate classification (germline): Uncertain significance (1 of 4 stars; one submission).

Conditions:
Cardiovascular phenotype. Identifiers: MedGen CN230736.

Submission:

Ambry Genetics
Classification: Uncertain significance for Cardiovascular phenotype. Last evaluated: 2021-10-25. Review status: criteria provided, single submitter. Criteria: Ambry Variant Classification Scheme 2023. Collection method: clinical testing. Allele origin: germline.
Comment: The p.K3659* variant (also known as c.10975A>T), located in coding exon 78 of the RYR2 gene, results from an A to T substitution at nucleotide position 10975. This changes the amino acid from a lysine to a stop codon within coding exon 78. This alteration is expected to result in premature protein truncation or nonsense-mediated mRNA decay. However, loss of function of RYR2 has not been clearly established as a mechanism of disease. Since supporting evidence is limited at this time, the clinical significance of this alteration remains unclear.